The following is an entry in ClinVar:

NM_032520.5(GNPTG):c.464G>A (p.Ser155Asn)

Gene: GNPTG (N-acetylglucosamine-1-phosphate transferase subunit gamma; plus strand). Cytogenetic location: 16p13.3.
Variant type: single nucleotide variant.
Coding change: c.464G>A on transcript NM_032520.5 (MANE Select); coding-DNA position 464, G replaced by A.
Protein change: p.Ser155Asn; replaces serine 155 with asparagine.
Molecular consequence: missense variant.
Genome position (GRCh38, 1-based): chr16:1,362,258, G>A. VCF-style: chr16-1362258-G-A. GRCh37 (hg19) VCF-style: chr16-1412259-G-A.
Other names: short protein forms S155N.
Identifiers: ClinVar variation 1486491 (VCV001486491.8), dbSNP rs113388753, ClinGen allele CA276657473.
Genomic context (GRCh38, chr16:1,362,258, plus strand): 5'-CTCCCCAGGTGGAGCTGGCGTGTGGAAAAAGCAACCGGCTGGCCCATGTGTCCGAGCCGA[G>A]CACCTGCGTCTACGCGCTGACGTTCGAGACCCCCCTCGTCTGCCACCCCCACGCCTTGCT-3'
Protein context (NP_115909.1, residues 145-165): SNRLAHVSEP[Ser155Asn]TCVYALTFET

ClinVar aggregate classification (germline): Uncertain significance (1 of 4 stars; one submission).

Allele frequency attached by ClinVar (database versions not stated): gnomAD exomes below 0.00001.
gnomAD v4.1: 3 of 1,613,506 alleles (0.00019%); highest among the groups gnomAD compares: African/African-American, 0.004%; no homozygotes.

Submission:

Labcorp Genetics (formerly Invitae), Labcorp
Classification: Uncertain significance. Last evaluated: 2022-08-16. Review status: criteria provided, single submitter. Criteria: Invitae Variant Classification Sherloc (09022015). Collection method: clinical testing. Allele origin: germline.
Comment: In summary, the available evidence is currently insufficient to determine the role of this variant in disease. Therefore, it has been classified as a Variant of Uncertain Significance. This sequence change replaces serine, which is neutral and polar, with asparagine, which is neutral and polar, at codon 155 of the GNPTG protein (p.Ser155Asn). This variant is not present in population databases (gnomAD no frequency). Algorithms developed to predict the effect of missense changes on protein structure and function are either unavailable or do not agree on the potential impact of this missense change (SIFT: "Tolerated"; PolyPhen-2: "Possibly Damaging"; Align-GVGD: "Class C0"). This variant has not been reported in the literature in individuals affected with GNPTG-related conditions. ClinVar contains an entry for this variant (Variation ID: 1486491).